The following is an entry in ClinVar:

NM_000423.3(KRT2):c.589C>A (p.Arg197=)

Gene: KRT2 (keratin 2; minus strand). Cytogenetic location: 12q13.13.
Variant type: single nucleotide variant.
Coding change: c.589C>A on transcript NM_000423.3 (MANE Select); coding-DNA position 589, C replaced by A.
Protein change: p.Arg197=; no amino-acid change (arginine 197 retained).
Molecular consequence: synonymous variant.
Genome position (GRCh38, 1-based): chr12:52,650,550, G>T on the plus strand (C>A on the coding strand, the complement: KRT2 is on the minus strand). VCF-style: chr12-52650550-G-T. GRCh37 (hg19) VCF-style: chr12-53044334-G-T.
Identifiers: ClinVar variation 883365 (VCV000883365.4), dbSNP rs201344610, ClinGen allele CA6585792.
Genomic context (GRCh38, chr12:52,650,550, plus strand): 5'-TCATTTGTTGTAGCAGCTCCCATTTGGTCTGTAACACCTGGTTCTGCTGCTCCAAGAACC[G>T]CACCTGCCATGACCAGAAGGAGAGCACATGAGTTCTAGATCATCCTTCACACCAAGCAAG-3'
Protein context (NP_000414.2, residues 187-207): NKFASFIDKV[Arg197=]FLEQQNQVLQ

ClinVar aggregate classification (germline): Benign (1 of 4 stars; one submission).

Conditions:
Ichthyosis bullosa of Siemens (IBS). Also called: Superficial epidermolytic ichthyosis. Identifiers: Orphanet 455, MedGen C0432306, MONDO:0007813, OMIM 146800.

Allele frequency attached by ClinVar (database versions not stated): TOPMed 0.00017; ESP Exome Variant Server 0.00031.
gnomAD v4.1: 411 of 1,607,896 alleles (0.026%); highest among the groups gnomAD compares: Non-Finnish European, 0.033%; no homozygotes.

Submission:

Illumina Laboratory Services, Illumina
Classification: Benign for Ichthyosis bullosa of Siemens. Last evaluated: 2018-01-13. Review status: criteria provided, single submitter. Criteria: ICSL Variant Classification Criteria 13 December 2019. Collection method: clinical testing. Allele origin: germline.
Comment: This variant was observed in the ICSL laboratory as part of a predisposition screen in an ostensibly healthy population. It had not been previously curated by ICSL or reported in the Human Gene Mutation Database (HGMD: prior to June 1st, 2018), and was therefore a candidate for classification through an automated scoring system. Utilizing variant allele frequency, disease prevalence and penetrance estimates, and inheritance mode, an automated score was calculated to assess if this variant is too frequent to cause the disease. Based on the score and internal cut-off values, a variant classified as benign is not then subjected to further curation. The score for this variant resulted in a classification of benign for this disease.